The following is an entry in ClinVar:

ClinVar aggregate classification (germline): Likely pathogenic (1 of 4 stars; one submission).

Conditions:
ALG8 congenital disorder of glycosylation. Also called: ALG8-CDG; CONGENITAL DISORDER OF GLYCOSYLATION, TYPE Ih; CDG Ih. Identifiers: Orphanet 79325, MedGen C2931002, MONDO:0011969, OMIM 608104.
Polycystic liver disease 3 with or without kidney cysts. Identifiers: MedGen C4693472, MONDO:0054743, OMIM 617874.

Submission:

Juno Genomics, Hangzhou Juno Genomics, Inc
Classification: Likely pathogenic for ALG8 congenital disorder of glycosylation; Polycystic liver disease 3 with or without kidney cysts. Review status: criteria provided, single submitter. Criteria: ACMG Guidelines, 2015. Collection method: clinical testing. Allele origin: germline. Affected: yes.
Comment: Absent from controls (or at extremely low frequency if recessive) in Genome Aggregation Database.;Null variant in a gene where loss of function (LOF) is a known mechanism of disease.

NM_024079.5(ALG8):c.144_145del (p.His48fs)

Gene: ALG8 (ALG8 alpha-1,3-glucosyltransferase; minus strand). Cytogenetic location: 11q14.1.
Variant type: Microsatellite.
Coding change: c.144_145del on transcript NM_024079.5 (MANE Select); coding-DNA positions 144 to 145, 2 bases deleted (CA; older notation c.144_145delCA).
Protein change: p.His48fs; shifts the reading frame from histidine 48.
Molecular consequence: frameshift variant. On other transcripts: 5 prime UTR variant (4), non-coding transcript variant (2), intron variant (4).
Genome position (GRCh38, 1-based): chr11:78,127,387-78,127,388, TG deleted on the plus strand (CA on the coding strand, the reverse complement: ALG8 is on the minus strand); deleting any 2 consecutive bases within chr11:78,127,387-78,127,390 gives the same sequence; the c. name uses the placement nearest the transcript's 3' end. VCF-style (leftmost placement, unchanged base first): chr11-78127386-CTG-C. GRCh37 (hg19) VCF-style: chr11-77838432-CTG-C.
Other names: c.144_145del, p.His48fs (NM_001007027.3, NM_001425220.1, NM_001425221.1 and 14 more transcripts); c.147_148del, p.His49fs (NM_001425219.1); c.-123CA[1] (NM_001425234.1, NM_001425239.1); c.-371CA[1] (NM_001425241.1); c.-409CA[1] (NM_001425242.1); c.96-3296_96-3295del (NM_001425231.1); c.22-3174_22-3173del (NM_001425235.1, NM_001425226.1, NM_001425236.1); short protein forms H48fs, H49fs.
Identifiers: ClinVar variation 5019173 (VCV005019173.1).